The following is an entry in ClinVar:

NM_130811.4(SNAP25):c.534C>T (p.Ile178=)

Gene: SNAP25 (synaptosome associated protein 25; plus strand). Cytogenetic location: 20p12.2.
Variant type: single nucleotide variant.
Coding change: c.534C>T on transcript NM_130811.4 (MANE Select); coding-DNA position 534, C replaced by T.
Protein change: p.Ile178=; no amino-acid change (isoleucine 178 retained).
Molecular consequence: synonymous variant.
Genome position (GRCh38, 1-based): chr20:10,299,394, C>T. VCF-style: chr20-10299394-C-T. GRCh37 (hg19) VCF-style: chr20-10280042-C-T.
Other names: c.534C>T, p.Ile178= (NM_001322902.2, NM_001322903.2, NM_001322904.2 and 7 more transcripts).
Identifiers: ClinVar variation 766786 (VCV000766786.21), dbSNP rs200030321, ClinGen allele CA9763392.
Genomic context (GRCh38, chr20:10,299,394, plus strand): 5'-GAACCTCCGTCACATGGCCCTGGATATGGGCAATGAGATCGATACACAGAATCGCCAGAT[C>T]GACAGGATCATGGAGAAGGTGAGCACGTGGCAGTCAGCAAGTCCCTACTGCGAGTCACTT-3'
Protein context (NP_570824.1, residues 168-188): GNEIDTQNRQ[Ile178=]DRIMEKADSN

ClinVar aggregate classification (germline): Likely benign. Review status: criteria provided, multiple submitters, no conflicts (2 of 4 stars). 4 submissions from 4 submitters: Likely benign (4). Last evaluated 2025-12-21.

Conditions:
Inborn genetic diseases. Identifiers: MedGen C0950123, MeSH D030342.
Congenital myasthenic syndrome 18. Also called: MYASTHENIC SYNDROME, CONGENITAL, 18, WITH INTELLECTUAL DISABILITY AND ATAXIA. Identifiers: Orphanet 590, MedGen C4225364, MONDO:0014590, OMIM 616330.

Allele frequency attached by ClinVar (database versions not stated): ESP Exome Variant Server 0.00008; ExAC 0.00011; gnomAD exomes 0.00015; gnomAD 0.00023 and 0.00025; TOPMed 0.00025.
gnomAD v4.1: 260 of 1,613,448 alleles (0.016%); highest among the groups gnomAD compares: African/African-American, 0.039%; no homozygotes.

Submissions (4):

Labcorp Genetics (formerly Invitae), Labcorp
Classification: Likely benign for Congenital myasthenic syndrome 18. Last evaluated: 2025-12-21. Review status: criteria provided, single submitter. Criteria: Invitae Variant Classification Sherloc (09022015). Collection method: clinical testing. Allele origin: germline.

CeGaT Center for Human Genetics Tuebingen
Classification: Likely benign. Last evaluated: 2025-06-01. Review status: criteria provided, single submitter. Criteria: CeGaT Center For Human Genetics Tuebingen Variant Classification Criteria Version 2. Collection method: clinical testing. Allele origin: germline. Affected: yes. Observed: 1 variant allele.
Comment: SNAP25: BP4, BP7

Blueprint Genetics
Classification: Likely benign. Last evaluated: 2024-09-24. Review status: criteria provided, single submitter. Criteria: ACMG Guidelines, 2015. Collection method: clinical testing. Allele origin: germline.

Ambry Genetics
Classification: Likely benign for Inborn genetic diseases. Last evaluated: 2017-12-15. Review status: criteria provided, single submitter. Criteria: Ambry Variant Classification Scheme 2023. Collection method: clinical testing. Allele origin: germline.